The following is an entry in ClinVar:

ClinVar aggregate classification (germline): Uncertain significance (1 of 4 stars; one submission).

Conditions:
Tuberous sclerosis 2 (TSC2). Identifiers: Orphanet 805, MedGen C1860707, MONDO:0013199, OMIM 613254.

Submission:

Labcorp Genetics (formerly Invitae), Labcorp
Classification: Uncertain significance for Tuberous sclerosis 2. Last evaluated: 2022-02-07. Review status: criteria provided, single submitter. Criteria: Invitae Variant Classification Sherloc (09022015). Collection method: clinical testing. Allele origin: germline.
Comment: In summary, the available evidence is currently insufficient to determine the role of this variant in disease. Therefore, it has been classified as a Variant of Uncertain Significance. Advanced modeling of protein sequence and biophysical properties (such as structural, functional, and spatial information, amino acid conservation, physicochemical variation, residue mobility, and thermodynamic stability) performed at Invitae indicates that this missense variant is not expected to disrupt TSC2 protein function. This variant has not been reported in the literature in individuals affected with TSC2-related conditions. This variant is not present in population databases (gnomAD no frequency). This sequence change replaces arginine, which is basic and polar, with serine, which is neutral and polar, at codon 151 of the TSC2 protein (p.Arg151Ser).

NM_000548.5(TSC2):c.453A>T (p.Arg151Ser)

Gene: TSC2 (TSC complex subunit 2; plus strand). Cytogenetic location: 16p13.3.
Variant type: single nucleotide variant.
Coding change: c.453A>T on transcript NM_000548.5 (MANE Select); coding-DNA position 453, A replaced by T.
Protein change: p.Arg151Ser; replaces arginine 151 with serine.
Molecular consequence: missense variant. On other transcripts: intron variant (1).
Genome position (GRCh38, 1-based): chr16:2,054,412, A>T. VCF-style: chr16-2054412-A-T. GRCh37 (hg19) VCF-style: chr16-2104413-A-T.
Other names: c.453A>T, p.Arg151Ser (NM_001077183.3, NM_001114382.3, NM_001363528.2 and 3 more transcripts); c.342A>T, p.Arg114Ser (NM_001318827.2); c.306A>T, p.Arg102Ser (NM_001318829.2); c.486A>T, p.Arg162Ser (NM_001318832.2); c.-1-1784A>T (NM_001318831.2); short protein forms R162S, R102S, R114S, R151S.
Identifiers: ClinVar variation 1515956 (VCV001515956.6), dbSNP rs2151043990, ClinGen allele CA394308439.